The following is an entry in ClinVar:

Conditions:
Long QT syndrome 5 (LQT5). Identifiers: Orphanet 101016, Orphanet 768, MedGen C1867904, MONDO:0013372, OMIM 613695.

Submission:

Roden Lab, Vanderbilt University Medical Center
No classification provided (evidence only). Condition: Long QT syndrome 5. Review status: no classification provided. Collection method: in vitro. Allele origin: not applicable. Functional consequence: Effect on ion channel function.
ClinVar note: "not provided" was previously submitted as the classification for the variant. However, the classification appeared to be based only on an observation of functional data so it was converted to no classification on 2025-07-30.

NM_000219.6(KCNE1):c.219C>A (p.His73Gln)

Gene: KCNE1 (potassium voltage-gated channel subfamily E regulatory subunit 1; minus strand). Cytogenetic location: 21q22.12.
Variant type: single nucleotide variant.
Coding change: c.219C>A on transcript NM_000219.6 (MANE Select); coding-DNA position 219, C replaced by A.
Protein change: p.His73Gln; replaces histidine 73 with glutamine.
Molecular consequence: missense variant.
Genome position (GRCh38, 1-based): chr21:34,449,416, G>T on the plus strand (C>A on the coding strand, the complement: KCNE1 is on the minus strand). VCF-style: chr21-34449416-G-T. GRCh37 (hg19) VCF-style: chr21-35821714-G-T.
Other names: c.219C>A, p.His73Gln (NM_001127668.4, NM_001127669.4, NM_001127670.4 and 4 more transcripts); short protein forms H73Q.
Identifiers: ClinVar variation 3374359 (VCV003374359.2).